The following is an entry in ClinVar:

NM_006361.6(HOXB13):c.123G>A (p.Thr41=)

Gene: HOXB13 (homeobox B13; minus strand). Cytogenetic location: 17q21.32.
Variant type: single nucleotide variant.
Coding change: c.123G>A on transcript NM_006361.6 (MANE Select); coding-DNA position 123, G replaced by A.
Protein change: p.Thr41=; no amino-acid change (threonine 41 retained).
Molecular consequence: synonymous variant.
Genome position (GRCh38, 1-based): chr17:48,728,471, C>T on the plus strand (G>A on the coding strand, the complement: HOXB13 is on the minus strand). VCF-style: chr17-48728471-C-T. GRCh37 (hg19) VCF-style: chr17-46805833-C-T.
Identifiers: ClinVar variation 818684 (VCV000818684.14), dbSNP rs1597935055, ClinGen allele CA500502825.

ClinVar aggregate classification (germline): Benign/Likely benign. Review status: criteria provided, multiple submitters, no conflicts (2 of 4 stars). 3 submissions from 3 submitters: Benign (1); Likely benign (2). Last evaluated 2025-11-13.

Conditions:
Hereditary cancer-predisposing syndrome. Also called: Tumor predisposition; Hereditary neoplastic syndrome; Neoplastic Syndromes, Hereditary; Hereditary Cancer Syndrome. Identifiers: Orphanet 140162, MedGen C0027672, MeSH D009386, MONDO:0015356.
Prostate cancer, hereditary, 9 (HPC9). Identifiers: Orphanet 1331, MedGen C1970250, MONDO:0012597, OMIM 610997.

Allele frequency attached by ClinVar (database versions not stated): gnomAD exomes below 0.00001.

Submissions (3):

Labcorp Genetics (formerly Invitae), Labcorp
Classification: Likely benign. Last evaluated: 2025-11-13. Review status: criteria provided, single submitter. Criteria: Invitae Variant Classification Sherloc (09022015). Collection method: clinical testing. Allele origin: germline.

Myriad Genetics, Inc.
Classification: Benign for Prostate cancer, hereditary, 9. Last evaluated: 2024-10-29. Review status: criteria provided, single submitter. Criteria: Myriad Autosomal Dominant, Autosomal Recessive and X-Linked Classification Criteria (2023). Collection method: clinical testing. Allele origin: unknown.
Comment: This variant is considered benign. This variant is a silent/synonymous amino acid change and it is not expected to impact splicing.

Ambry Genetics
Classification: Likely benign for Hereditary cancer-predisposing syndrome. Last evaluated: 2017-10-16. Review status: criteria provided, single submitter. Criteria: Ambry Variant Classification Scheme 2023. Collection method: clinical testing. Allele origin: germline.